The following is an entry in ClinVar:

NM_000091.5(COL4A3):c.468+1G>T

Genes: MFF-DT (MFF divergent transcript; minus strand), COL4A3 (collagen type IV alpha 3 chain; plus strand). Cytogenetic location: 2q36.3.
Variant type: single nucleotide variant.
Coding change: c.468+1G>T on transcript NM_000091.5 (MANE Select); the canonical splice donor site of the intron after coding-DNA position 468, G replaced by T.
Molecular consequence: splice donor variant.
Genome position (GRCh38, 1-based): chr2:227,247,585, G>T. VCF-style: chr2-227247585-G-T. GRCh37 (hg19) VCF-style: chr2-228112301-G-T.
Identifiers: ClinVar variation 550196 (VCV000550196.5), dbSNP rs1553751122, ClinGen allele CA350863270.
Genomic context (GRCh38, chr2:227,247,585, plus strand): 5'-CCTCTAGTTGTTCATAGGTTGCTTTTTTCCTAGGGTGCTGCTGGTTTGAAAGGACAAAAG[G>T]TAAGTCATTGGTGGAATGCTGTCACTGAAAATCTCTAACTGTACATATGAAAAGGACGTC-3'

ClinVar aggregate classification (germline): Likely pathogenic. Review status: criteria provided, multiple submitters, no conflicts (2 of 4 stars). 3 submissions from 3 submitters: Likely pathogenic (2). 1 of the submissions does not count toward it. Last evaluated 2024-03-06.

Conditions:
Autosomal dominant Alport syndrome (ATS3A). Also called: ALPORT SYNDROME 3A, AUTOSOMAL DOMINANT; Alport syndrome dominant type; Renal failure and sensorineural hearing loss. Identifiers: Orphanet 63, Orphanet 88918, MedGen C5882663, MONDO:0007086, OMIM 104200.
Hematuria, benign familial, 2 (BFH2). Identifiers: MedGen C5830421, MONDO:0958186, OMIM 620320.
Alport syndrome 3b, autosomal recessive. Identifiers: MedGen C5882699, MONDO:0957811, OMIM 620536.
Autosomal recessive Alport syndrome (ATS2). Also called: ALPORT SYNDROME 2, AUTOSOMAL RECESSIVE; Alport syndrome type 2; COL4A3-Related Nephropathy; COL4A4 Alport Syndrome and Thin Basement Membrane Nephropathy. Identifiers: Orphanet 63, Orphanet 88919, MedGen C4746745, MONDO:0008762, OMIM 203780.

Submissions (3):

Labcorp Genetics (formerly Invitae), Labcorp
Classification: Likely pathogenic. Last evaluated: 2024-03-06. Review status: criteria provided, single submitter. Criteria: Invitae Variant Classification Sherloc (09022015). Collection method: clinical testing. Allele origin: germline.
Comment: This sequence change affects a donor splice site in intron 8 of the COL4A3 gene. It is expected to disrupt RNA splicing. Variants that disrupt the donor or acceptor splice site typically lead to a loss of protein function (PMID: 16199547), and loss-of-function variants in COL4A3 are known to be pathogenic (PMID: 8956999, 24854265, 26809805, 27281700). This variant is not present in population databases (gnomAD no frequency). This variant has not been reported in the literature in individuals affected with COL4A3-related conditions. ClinVar contains an entry for this variant (Variation ID: 550196). Algorithms developed to predict the effect of sequence changes on RNA splicing suggest that this variant may disrupt the consensus splice site. In summary, the currently available evidence indicates that the variant is pathogenic, but additional data are needed to prove that conclusively. Therefore, this variant has been classified as Likely Pathogenic.

Fulgent Genetics
Classification: Likely pathogenic for Autosomal dominant Alport syndrome; Hematuria, benign familial, 2; Alport syndrome 3b, autosomal recessive. Last evaluated: 2024-02-28. Review status: criteria provided, single submitter. Criteria: ACMG Guidelines, 2015. Collection method: clinical testing. Allele origin: germline.

Counsyl
Classification: Likely pathogenic for Autosomal recessive Alport syndrome. Last evaluated: 2016-12-20. Review status: no assertion criteria provided. Collection method: clinical testing. Allele origin: unknown. Not counted in ClinVar's aggregate classification.

Literature cited by the submitters: PubMed 16199547 (cited by Labcorp Genetics (formerly Invitae), Labcorp); PubMed 8956999 (cited by Labcorp Genetics (formerly Invitae), Labcorp); PubMed 24854265 (cited by Labcorp Genetics (formerly Invitae), Labcorp); PubMed 26809805 (cited by Labcorp Genetics (formerly Invitae), Labcorp); PubMed 27281700 (cited by Labcorp Genetics (formerly Invitae), Labcorp).